The following is an entry in ClinVar:

ClinVar aggregate classification (germline): Pathogenic (1 of 4 stars; one submission).

Conditions:
Cockayne spectrum with or without cerebrooculofacioskeletal syndrome. Identifiers: MedGen CN315928, MONDO:0100506.

Submission:

Myriad Genetics, Inc.
Classification: Pathogenic for Cockayne spectrum with or without cerebrooculofacioskeletal syndrome. Last evaluated: 2025-07-31. Review status: criteria provided, single submitter. Criteria: Myriad Autosomal Dominant, Autosomal Recessive and X-Linked Classification Criteria (2023). Collection method: clinical testing. Allele origin: unknown.
Comment: NM_000124.2(ERCC6):c.3426delT(G1143Vfs*9) is expected to be pathogenic in the context of ERCC6-related disorders. This variant is predicted to lead to an abnormal or absent protein product due to the creation of a premature termination codon in ERCC6, a gene where loss-of-function variants are known to be pathogenic. Please note: this variant was assessed in the context of healthy population screening.

NM_000124.4(ERCC6):c.3426del (p.Gly1143fs)

Gene: ERCC6 (ERCC excision repair 6, chromatin remodeling factor; minus strand). Cytogenetic location: 10q11.23.
Variant type: Deletion.
Coding change: c.3426del on transcript NM_000124.4 (MANE Select); coding-DNA position 3426, one base deleted (T; older notation c.3426delT).
Protein change: p.Gly1143fs; shifts the reading frame from glycine 1143.
Molecular consequence: frameshift variant.
Genome position (GRCh38, 1-based): chr10:49,470,534, A deleted on the plus strand (T on the coding strand, the reverse complement: ERCC6 is on the minus strand). VCF-style (leftmost placement, unchanged base first): chr10-49470533-CA-C. GRCh37 (hg19) VCF-style: chr10-50678579-CA-C.
Other names: c.3426del, p.Gly1143fs (NM_001346440.2); short protein forms G1143fs.
Identifiers: ClinVar variation 5014800 (VCV005014800.1).